The following is an entry in ClinVar:

ClinVar aggregate classification (germline): Likely benign. Review status: criteria provided, multiple submitters, no conflicts (2 of 4 stars). 2 submissions from 2 submitters: Likely benign (2). Last evaluated 2025-05-15.

Conditions:
MYO7A-related disorder. Also called: MYO7A-related disorders.

Allele frequency attached by ClinVar (database versions not stated): gnomAD exomes below 0.00001.
gnomAD v4.1: 3 of 1,612,106 alleles (0.00019%); highest among the groups gnomAD compares: South Asian, 0.0011%; no homozygotes.

Submissions (2):

PreventionGenetics, part of Exact Sciences
Classification: Likely benign for MYO7A-related condition. Last evaluated: 2025-05-15. Review status: criteria provided, single submitter. Criteria: ACMG Guidelines, 2015. Collection method: clinical testing. Allele origin: germline.
Comment: This variant is classified as likely benign based on ACMG/AMP sequence variant interpretation guidelines (Richards et al. 2015 PMID: 25741868, with internal and published modifications).

Labcorp Genetics (formerly Invitae), Labcorp
Classification: Likely benign. Last evaluated: 2023-11-27. Review status: criteria provided, single submitter. Criteria: Invitae Variant Classification Sherloc (09022015). Collection method: clinical testing. Allele origin: germline.

NM_000260.4(MYO7A):c.5865C>T (p.Ser1955=)

Gene: MYO7A (myosin VIIA; plus strand). Cytogenetic location: 11q13.5.
Variant type: single nucleotide variant.
Coding change: c.5865C>T on transcript NM_000260.4 (MANE Select); coding-DNA position 5865, C replaced by T.
Protein change: p.Ser1955=; no amino-acid change (serine 1955 retained).
Molecular consequence: synonymous variant.
Genome position (GRCh38, 1-based): chr11:77,208,438, C>T. VCF-style: chr11-77208438-C-T. GRCh37 (hg19) VCF-style: chr11-76919483-C-T.
Other names: c.5751C>T, p.Ser1917= (NM_001127180.2); c.5718C>T, p.Ser1906= (NM_001369365.1).
Identifiers: ClinVar variation 798399 (VCV000798399.9), dbSNP rs1481506095, ClinGen allele CA475791568.